The following is an entry in ClinVar:

NM_032482.3(DOT1L):c.2870C>T (p.Thr957Ile)

Gene: DOT1L (DOT1 like histone lysine methyltransferase; plus strand). Cytogenetic location: 19p13.3.
Variant type: single nucleotide variant.
Coding change: c.2870C>T on transcript NM_032482.3 (MANE Select); coding-DNA position 2870, C replaced by T.
Protein change: p.Thr957Ile; replaces threonine 957 with isoleucine.
Molecular consequence: missense variant.
Genome position (GRCh38, 1-based): chr19:2,222,039, C>T. VCF-style: chr19-2222039-C-T. GRCh37 (hg19) VCF-style: chr19-2222038-C-T.
Other names: c.2870C>T, p.Thr957Ile (NM_001411141.1); short protein forms T957I.
Identifiers: ClinVar variation 3842166 (VCV003842166.3).

ClinVar aggregate classification (germline): Likely benign. Review status: criteria provided, multiple submitters, no conflicts (2 of 4 stars). 2 submissions from 2 submitters: Likely benign (2). Last evaluated 2026-06-01.

Conditions:
Inborn genetic diseases. Identifiers: MedGen C0950123, MeSH D030342.

gnomAD v4.1: 23 of 1,612,778 alleles (0.0014%); highest among the groups gnomAD compares: Admixed American, 0.033%; no homozygotes.

Submissions (2):

CeGaT Center for Human Genetics Tuebingen
Classification: Likely benign. Last evaluated: 2026-06-01. Review status: criteria provided, single submitter. Criteria: CeGaT Center For Human Genetics Tuebingen Variant Classification Criteria Version 2. Collection method: clinical testing. Allele origin: germline. Affected: yes. Observed: 1 variant allele.
Comment: DOT1L: BP4

Ambry Genetics
Classification: Likely benign for Inborn genetic diseases. Last evaluated: 2025-02-22. Review status: criteria provided, single submitter. Criteria: Ambry Variant Classification Scheme 2023. Collection method: clinical testing. Allele origin: germline.